The following is an entry in ClinVar:

ClinVar aggregate classification (germline): Uncertain significance. Review status: criteria provided, multiple submitters, no conflicts (2 of 4 stars). 2 submissions from 2 submitters: Uncertain significance (2). Last evaluated 2022-04-13.

Conditions:
3-methylcrotonyl-CoA carboxylase 1 deficiency (MCC1D). Also called: MCCD TYPE 1; METHYLCROTONYLGLYCINURIA TYPE I; MCC 1 deficiency; 3 Alpha methylcrotonylglycinuria 1. Identifiers: Orphanet 6, MedGen CN028786, MONDO:0008861, OMIM 210200.

Submissions (2):

Revvity Omics, Revvity
Classification: Uncertain significance for 3-methylcrotonyl-CoA carboxylase 1 deficiency. Last evaluated: 2022-04-13. Review status: criteria provided, single submitter. Criteria: ACMG Guidelines, 2015. Collection method: clinical testing. Allele origin: germline.

Labcorp Genetics (formerly Invitae), Labcorp
Classification: Uncertain significance for 3-methylcrotonyl-CoA carboxylase 1 deficiency. Last evaluated: 2018-08-22. Review status: criteria provided, single submitter. Criteria: Invitae Variant Classification Sherloc (09022015). Collection method: clinical testing. Allele origin: germline.
Comment: This sequence change replaces alanine with aspartic acid at codon 117 of the MCCC1 protein (p.Ala117Asp). The alanine residue is highly conserved and there is a moderate physicochemical difference between alanine and aspartic acid. This variant has not been reported in the literature in individuals with MCCC1-related disease. Algorithms developed to predict the effect of missense changes on protein structure and function (SIFT, PolyPhen-2, Align-GVGD) all suggest that this variant is likely to be disruptive, but these predictions have not been confirmed by published functional studies and their clinical significance is uncertain. In summary, the available evidence is currently insufficient to determine the role of this variant in disease. Therefore, it has been classified as a Variant of Uncertain Significance. This variant is not present in population databases (ExAC no frequency).

NM_020166.5(MCCC1):c.350C>A (p.Ala117Asp)

Gene: MCCC1 (methylcrotonyl-CoA carboxylase subunit 1; minus strand). Cytogenetic location: 3q27.1.
Variant type: single nucleotide variant.
Coding change: c.350C>A on transcript NM_020166.5 (MANE Select); coding-DNA position 350, C replaced by A.
Protein change: p.Ala117Asp; replaces alanine 117 with aspartic acid.
Molecular consequence: missense variant. On other transcripts: non-coding transcript variant (1).
Genome position (GRCh38, 1-based): chr3:183,086,712, G>T on the plus strand (C>A on the coding strand, the complement: MCCC1 is on the minus strand). VCF-style: chr3-183086712-G-T. GRCh37 (hg19) VCF-style: chr3-182804500-G-T.
Other names: c.121C>A, p.Pro41Thr (NM_001293273.2); c.23C>A, p.Ala8Asp (NM_001363880.1); short protein forms A8D, P41T, A117D.
Identifiers: ClinVar variation 654725 (VCV000654725.11), dbSNP rs754963220, ClinGen allele CA355319235.